The following is an entry in ClinVar:

NM_001303256.3(MORC2):c.1280A>G (p.Lys427Arg)

Gene: MORC2 (MORC family CW-type zinc finger 2; minus strand). Cytogenetic location: 22q12.2.
Variant type: single nucleotide variant.
Coding change: c.1280A>G on transcript NM_001303256.3 (MANE Select); coding-DNA position 1280, A replaced by G.
Protein change: p.Lys427Arg; replaces lysine 427 with arginine.
Molecular consequence: missense variant.
Genome position (GRCh38, 1-based): chr22:30,937,904, T>C on the plus strand (A>G on the coding strand, the complement: MORC2 is on the minus strand). VCF-style: chr22-30937904-T-C. GRCh37 (hg19) VCF-style: chr22-31333891-T-C.
Other names: c.1280A>G, p.Lys427Arg (NM_001303257.2); c.1094A>G, p.Lys365Arg (NM_014941.3); short protein forms K427R, K365R.
Identifiers: ClinVar variation 1477446 (VCV001477446.8), dbSNP rs2147256585, ClinGen allele CA411238890.

ClinVar aggregate classification (germline): Conflicting classifications of pathogenicity. Review status: criteria provided, conflicting classifications (1 of 4 stars). 2 submissions from 2 submitters: Likely pathogenic (1); Uncertain significance (1). Last evaluated 2021-12-09.

Conditions:
Charcot-Marie-Tooth disease axonal type 2Z. Also called: CHARCOT-MARIE-TOOTH DISEASE, AXONAL, AUTOSOMAL DOMINANT, TYPE 2Z; CHARCOT-MARIE-TOOTH NEUROPATHY, TYPE 2Z. Identifiers: Orphanet 466768, MedGen C5569025, MONDO:0014736, OMIM 616688.
Developmental delay, impaired growth, dysmorphic facies, and axonal neuropathy. Identifiers: MedGen C5436781, MONDO:0030835, OMIM 619090.

Submissions (2):

Labcorp Genetics (formerly Invitae), Labcorp
Classification: Uncertain significance for Charcot-Marie-Tooth disease axonal type 2Z. Last evaluated: 2021-12-09. Review status: criteria provided, single submitter. Criteria: Invitae Variant Classification Sherloc (09022015). Collection method: clinical testing. Allele origin: germline.
Comment: In summary, the available evidence is currently insufficient to determine the role of this variant in disease. Therefore, it has been classified as a Variant of Uncertain Significance. Advanced modeling of protein sequence and biophysical properties (such as structural, functional, and spatial information, amino acid conservation, physicochemical variation, residue mobility, and thermodynamic stability) performed at Invitae indicates that this missense variant is expected to disrupt MORC2 protein function. This variant has not been reported in the literature in individuals affected with MORC2-related conditions. This variant is not present in population databases (gnomAD no frequency). This sequence change replaces lysine, which is basic and polar, with arginine, which is basic and polar, at codon 427 of the MORC2 protein (p.Lys427Arg).

Laboratory of Functional Genomics, Research Centre for Medical Genetics
Classification: Likely pathogenic for Developmental delay, impaired growth, dysmorphic facies, and axonal neuropathy. Review status: criteria provided, single submitter. Criteria: ACMG Guidelines, 2015. Collection method: clinical testing, in vitro. Allele origin: de novo, not applicable. Affected: yes. Observed: 1 heterozygote.
Comment: Segregation analysis confirmed its de novo origin. The c.1280A>G variant wasn't found in population databases. For functional characterization of the variant a vector, expressing MORC2 fused with Flag tag at C-terminal end, was created. Transfection of the plasmid into HEK293T cells followed by Western blotting revealed slight reduction of MORC2 protein quantity compared to wt vector. In summary, c.1280A>G variant meets criteria to be classified as likely pathogenic.